The following is an entry in ClinVar:

ClinVar aggregate classification (germline): Uncertain significance (1 of 4 stars; one submission).

Submission:

GeneDx
Classification: Uncertain significance. Last evaluated: 2024-05-24. Review status: criteria provided, single submitter. Criteria: GeneDx Variant Classification Process June 2021. Collection method: clinical testing. Allele origin: germline. Affected: yes.
Comment: Not observed at significant frequency in large population cohorts (gnomAD); In silico analysis indicates that this missense variant does not alter protein structure/function; Has not been previously published as pathogenic or benign to our knowledge

NM_001242896.3(DEPDC5):c.4375A>G (p.Ser1459Gly)

Gene: DEPDC5 (DEP domain containing 5, GATOR1 subcomplex subunit; plus strand). Cytogenetic location: 22q12.3.
Variant type: single nucleotide variant.
Coding change: c.4375A>G on transcript NM_001242896.3 (MANE Select); coding-DNA position 4375, A replaced by G.
Protein change: p.Ser1459Gly; replaces serine 1459 with glycine.
Molecular consequence: missense variant. On other transcripts: non-coding transcript variant (5).
Genome position (GRCh38, 1-based): chr22:31,897,653, A>G. VCF-style: chr22-31897653-A-G. GRCh37 (hg19) VCF-style: chr22-32293639-A-G.
Other names: c.4348A>G, p.Ser1450Gly (NM_001136029.4); c.4075A>G, p.Ser1359Gly (NM_001242897.2); c.4309A>G, p.Ser1437Gly (NM_001363852.2, NM_001364320.2); c.4141A>G, p.Ser1381Gly (NM_001363854.2, NM_001364319.2); c.4375A>G, p.Ser1459Gly (NM_001364318.2); c.4291A>G, p.Ser1431Gly (NM_001369901.1, NM_001369902.1); c.4282A>G, p.Ser1428Gly (NM_001369903.1, NM_014662.6); short protein forms S1359G, S1381G, S1428G, S1431G, S1437G, S1450G, S1459G.
Identifiers: ClinVar variation 1310116 (VCV001310116.3), dbSNP rs2149397898, ClinGen allele CA411289312.